The following is an entry in ClinVar:

ClinVar aggregate classification (germline): Uncertain significance. Review status: criteria provided, multiple submitters, no conflicts (2 of 4 stars). 2 submissions from 2 submitters: Uncertain significance (2). Last evaluated 2024-08-27.

Conditions:
Familial sleep-related hypermotor epilepsy. Also called: Autosomal Dominant Sleep-Related Hypermotor (Hyperkinetic) Epilepsy. Identifiers: Orphanet 98784, MedGen C3696898, MONDO:0000030.
Inborn genetic diseases. Identifiers: MedGen C0950123, MeSH D030342.

Submissions (2):

Ambry Genetics
Classification: Uncertain significance for Inborn genetic diseases. Last evaluated: 2024-08-27. Review status: criteria provided, single submitter. Criteria: Ambry Variant Classification Scheme 2023. Collection method: clinical testing. Allele origin: germline.

Labcorp Genetics (formerly Invitae), Labcorp
Classification: Uncertain significance. Last evaluated: 2021-10-14. Review status: criteria provided, single submitter. Criteria: Invitae Variant Classification Sherloc (09022015). Collection method: clinical testing. Allele origin: germline.
Comment: In summary, the available evidence is currently insufficient to determine the role of this variant in disease. Therefore, it has been classified as a Variant of Uncertain Significance. Algorithms developed to predict the effect of missense changes on protein structure and function are either unavailable or do not agree on the potential impact of this missense change (SIFT: "Deleterious"; PolyPhen-2: "Not Available"; Align-GVGD: "Class C0"). This variant has not been reported in the literature in individuals affected with CHRNA4-related conditions. The frequency data for this variant in the population databases is considered unreliable, as metrics indicate insufficient coverage at this position in the ExAC database. This sequence change replaces leucine with glutamine at codon 3 of the CHRNA4 protein (p.Leu3Gln). The leucine residue is weakly conserved and there is a moderate physicochemical difference between leucine and glutamine.

NM_000744.7(CHRNA4):c.8T>A (p.Leu3Gln)

Genes: CHRNA4 (cholinergic receptor nicotinic alpha 4 subunit; minus strand), LOC100130587 (uncharacterized LOC100130587; plus strand). Cytogenetic location: 20q13.33.
Variant type: single nucleotide variant.
Coding change: c.8T>A on transcript NM_000744.7 (MANE Select); coding-DNA position 8, T replaced by A.
Protein change: p.Leu3Gln; replaces leucine 3 with glutamine.
Molecular consequence: missense variant. On other transcripts: non-coding transcript variant (1), intron variant (1).
Genome position (GRCh38, 1-based): chr20:63,361,158, A>T on the plus strand (T>A on the coding strand, the complement: CHRNA4 is on the minus strand). VCF-style: chr20-63361158-A-T. GRCh37 (hg19) VCF-style: chr20-61992510-A-T.
Other names: c.8T>A (NM_000744.5); c.-471+19T>A (NM_001256573.2); short protein forms L3Q.
Identifiers: ClinVar variation 1437250 (VCV001437250.7), dbSNP rs2145412488, ClinGen allele CA409645055.